The following is an entry in ClinVar:

ClinVar aggregate classification (germline): Pathogenic. Review status: criteria provided, multiple submitters, no conflicts (2 of 4 stars). 4 submissions from 4 submitters: Pathogenic (3). 1 of the submissions does not count toward it. Last evaluated 2026-02-20.

Conditions:
RLBP1-related disorder. Also called: RLBP1-related condition; RLBP1-related disorders. Identifiers: MedGen CN239413.
Retinitis pigmentosa (RP). Identifiers: Orphanet 791, MedGen C0035334, MeSH D012174, MONDO:0019200, OMIM 268000. Inheritance: Autosomal dominant, autosomal recessive and X linked inheritance.

Allele frequency attached by ClinVar (database versions not stated): gnomAD exomes below 0.00001; TOPMed below 0.00001; ExAC 0.00001.
gnomAD v4.1: 12 of 1,613,980 alleles (0.00074%); highest among the groups gnomAD compares: South Asian, 0.0033%; no homozygotes.

Submissions (4):

Women's Health and Genetics/Laboratory Corporation of America, LabCorp
Classification: Pathogenic for Retinitis pigmentosa. Last evaluated: 2026-02-20. Review status: criteria provided, single submitter. Criteria: LabCorp Variant Classification Summary - May 2015. Collection method: clinical testing. Allele origin: germline.
Comment: Variant summary: RLBP1 c.346G>C (p.Gly116Arg) results in a non-conservative amino acid change in the encoded protein sequence. Algorithms developed to predict the effect of missense changes on protein structure and function all suggest that this variant is likely to be disruptive. Several computational tools predict a significant impact on normal splicing: Four predict the variant weakens a 5' donor site. However, these predictions have yet to be confirmed by functional studies. The variant allele was found at a frequency of 4e-06 in 249340 control chromosomes. c.346G>C has been observed in multiple individuals affected with fundus albipunctatus from the same family where the variant segregated with disease (Naz_2011). These data indicate that the variant is very likely to be associated with disease. To our knowledge, no experimental evidence demonstrating an impact on protein function has been reported. The following publication has been ascertained in the context of this evaluation (PMID: 21447491). ClinVar contains an entry for this variant (Variation ID: 636197). Based on the evidence outlined above, the variant was classified as pathogenic.

Labcorp Genetics (formerly Invitae), Labcorp
Classification: Pathogenic. Last evaluated: 2025-12-29. Review status: criteria provided, single submitter. Criteria: Invitae Variant Classification Sherloc (09022015). Collection method: clinical testing. Allele origin: germline.
Comment: This sequence change replaces glycine, which is neutral and non-polar, with arginine, which is basic and polar, at codon 116 of the RLBP1 protein (p.Gly116Arg). This variant also falls at the last nucleotide of exon 5, which is part of the consensus splice site for this exon. This variant is present in population databases (rs762326108, gnomAD 0.003%). This missense change has been observed in individual(s) with fundus albipunctatus (PMID: 21447491). It has also been observed to segregate with disease in related individuals. ClinVar contains an entry for this variant (Variation ID: 636197). Invitae Evidence Modeling of protein sequence and biophysical properties (such as structural, functional, and spatial information, amino acid conservation, physicochemical variation, residue mobility, and thermodynamic stability) has been performed for this missense variant. However, the output from this modeling did not meet the statistical confidence thresholds required to predict the impact of this variant on RLBP1 protein function. Variants that disrupt the consensus splice site are a relatively common cause of aberrant splicing (PMID: 17576681, 9536098). Algorithms developed to predict the effect of sequence changes on RNA splicing suggest that this variant may disrupt the consensus splice site. For these reasons, this variant has been classified as Pathogenic.

Blueprint Genetics
Classification: Pathogenic for RLBP1-related disorders. Last evaluated: 2022-12-02. Review status: criteria provided, single submitter. Criteria: ACMG Guidelines, 2015. Collection method: clinical testing. Allele origin: germline. Affected: yes. Observed: 3 variant alleles.

Department of Clinical Genetics, Copenhagen University Hospital, Rigshospitalet
Classification: Likely pathogenic for Retinitis pigmentosa. Last evaluated: 2018-04-01. Review status: no assertion criteria provided. Collection method: research. Allele origin: unknown. Affected: yes. Study: VeluxRD. Not counted in ClinVar's aggregate classification.

Literature cited by the submitters: PubMed 21447491 (cited by Women's Health and Genetics/Laboratory Corporation of America, LabCorp and Labcorp Genetics (formerly Invitae), Labcorp); PubMed 17576681 (cited by Labcorp Genetics (formerly Invitae), Labcorp); PubMed 9536098 (cited by Labcorp Genetics (formerly Invitae), Labcorp); PubMed 30718709 (cited by Department of Clinical Genetics, Copenhagen University Hospital, Rigshospitalet).

NM_000326.5(RLBP1):c.346G>C (p.Gly116Arg)

Gene: RLBP1 (retinaldehyde binding protein 1; minus strand). Cytogenetic location: 15q26.1.
Variant type: single nucleotide variant.
Coding change: c.346G>C on transcript NM_000326.5 (MANE Select); coding-DNA position 346, G replaced by C.
Protein change: p.Gly116Arg; replaces glycine 116 with arginine.
Molecular consequence: missense variant.
Genome position (GRCh38, 1-based): chr15:89,217,120, C>G on the plus strand (G>C on the coding strand, the complement: RLBP1 is on the minus strand). VCF-style: chr15-89217120-C-G. GRCh37 (hg19) VCF-style: chr15-89760351-C-G.
Other names: short protein forms G116R.
Identifiers: ClinVar variation 636197 (VCV000636197.6), dbSNP rs762326108, ClinGen allele CA7722320.